The following is an entry in ClinVar:

ClinVar aggregate classification (germline): Conflicting classifications of pathogenicity. Review status: criteria provided, conflicting classifications (1 of 4 stars). 2 submissions from 2 submitters: Uncertain significance (1); Likely benign (1). Last evaluated 2025-08-26.

gnomAD v4.1: 96 of 1,611,080 alleles (0.006%); highest among the groups gnomAD compares: Non-Finnish European, 0.0077%; no homozygotes.

Submissions (2):

Ambry Genetics
Classification: Uncertain significance. Last evaluated: 2025-08-26. Review status: criteria provided, single submitter. Criteria: Ambry Variant Classification Scheme 2023. Collection method: clinical testing. Allele origin: germline.

Mayo Clinic Laboratories, Mayo Clinic
Classification: Likely benign. Last evaluated: 2024-12-20. Review status: criteria provided, single submitter. Criteria: ACMG Guidelines, 2015. Collection method: clinical testing. Allele origin: germline. Observed: 1 variant allele.
Comment: BP1, BP4_moderate

NM_001201550.3(CFHR4):c.16A>G (p.Asn6Asp)

Gene: CFHR4 (complement factor H related 4; plus strand). Cytogenetic location: 1q31.3.
Variant type: single nucleotide variant.
Coding change: c.16A>G on transcript NM_001201550.3 (MANE Select); coding-DNA position 16, A replaced by G.
Protein change: p.Asn6Asp; replaces asparagine 6 with aspartic acid.
Molecular consequence: missense variant.
Genome position (GRCh38, 1-based): chr1:196,888,166, A>G. VCF-style: chr1-196888166-A-G. GRCh37 (hg19) VCF-style: chr1-196857296-A-G.
Other names: p.Asn6Asp; c.16A>G, p.Asn6Asp (NM_001201551.2, NM_006684.5); short protein forms N6D.
Identifiers: ClinVar variation 4227334 (VCV004227334.2).